The following is an entry in ClinVar:

NM_001283009.2(RTEL1):c.2726A>G (p.Gln909Arg)

Genes: RTEL1 (regulator of telomere elongation helicase 1; plus strand), RTEL1-TNFRSF6B (RTEL1-TNFRSF6B readthrough (NMD candidate); plus strand). Cytogenetic location: 20q13.33.
Variant type: single nucleotide variant.
Coding change: c.2726A>G on transcript NM_001283009.2 (MANE Select); coding-DNA position 2726, A replaced by G.
Protein change: p.Gln909Arg; replaces glutamine 909 with arginine.
Molecular consequence: missense variant. On other transcripts: non-coding transcript variant (1).
Genome position (GRCh38, 1-based): chr20:63,692,878, A>G. VCF-style: chr20-63692878-A-G. GRCh37 (hg19) VCF-style: chr20-62324231-A-G.
Other names: p.Gln933Arg; c.2057A>G, p.Gln686Arg (NM_001283010.1); c.2726A>G, p.Gln909Arg (NM_016434.4); c.2798A>G, p.Gln933Arg (NM_032957.5); short protein forms Q686R, Q909R, Q933R.
Identifiers: ClinVar variation 3380677 (VCV003380677.3).

ClinVar aggregate classification (germline): Uncertain significance. Review status: criteria provided, multiple submitters, no conflicts (2 of 4 stars). 3 submissions from 3 submitters: Uncertain significance (3). Last evaluated 2025-09-03.

Conditions:
Pulmonary fibrosis and/or bone marrow failure, Telomere-related, 3. Also called: PULMONARY FIBROSIS AND/OR BONE MARROW FAILURE SYNDROME, TELOMERE-RELATED, 3. Identifiers: Orphanet 2032, MedGen C4225346, MONDO:0014613, OMIM 616373.
Dyskeratosis congenita, autosomal recessive 5 (DKCB5). Identifiers: MedGen C3554656, MONDO:0014076, OMIM 615190.
Inborn genetic diseases. Identifiers: MedGen C0950123, MeSH D030342.

gnomAD v4.1: 14 of 1,612,526 alleles (0.00087%); highest among the groups gnomAD compares: Non-Finnish European, 0.0012%; no homozygotes.

Submissions (3):

Labcorp Genetics (formerly Invitae), Labcorp
Classification: Uncertain significance for Dyskeratosis congenita, autosomal recessive 5; Pulmonary fibrosis and/or bone marrow failure, Telomere-related, 3. Last evaluated: 2025-09-03. Review status: criteria provided, single submitter. Criteria: Invitae Variant Classification Sherloc (09022015). Collection method: clinical testing. Allele origin: germline.
Comment: This sequence change replaces glutamine, which is neutral and polar, with arginine, which is basic and polar, at codon 909 of the RTEL1 protein (p.Gln909Arg). This variant is not present in population databases (gnomAD no frequency). This variant has not been reported in the literature in individuals affected with RTEL1-related conditions. ClinVar contains an entry for this variant (Variation ID: 3380677). An algorithm developed to predict the effect of missense changes on protein structure and function outputs the following: PolyPhen-2: "Benign". The arginine amino acid residue is found in multiple mammalian species, which suggests that this missense change does not adversely affect protein function. In summary, the available evidence is currently insufficient to determine the role of this variant in disease. Therefore, it has been classified as a Variant of Uncertain Significance.

Ambry Genetics
Classification: Uncertain significance for Inborn genetic diseases. Last evaluated: 2025-01-22. Review status: criteria provided, single submitter. Criteria: Ambry Variant Classification Scheme 2023. Collection method: clinical testing. Allele origin: germline.
Comment: The p.Q909R variant (also known as c.2726A>G), located in coding exon 28 of the RTEL1 gene, results from an A to G substitution at nucleotide position 2726. The glutamine at codon 909 is replaced by arginine, an amino acid with highly similar properties. This amino acid position is conserved. In addition, the in silico prediction for this alteration is inconclusive. Based on the available evidence, the clinical significance of this variant remains unclear.

Mayo Clinic Laboratories, Mayo Clinic
Classification: Uncertain significance. Last evaluated: 2024-02-14. Review status: criteria provided, single submitter. Criteria: ACMG Guidelines, 2015. Collection method: clinical testing. Allele origin: germline. Observed: 1 variant allele.
Comment: BP4, PM2